The following is an entry in ClinVar:

ClinVar aggregate classification (germline): Conflicting classifications of pathogenicity. Review status: criteria provided, conflicting classifications (1 of 4 stars). 3 submissions from 3 submitters: Pathogenic (1); Uncertain significance (1). 1 of the submissions does not count toward it. Last evaluated 2025-12-22.

Conditions:
Hereditary spastic paraplegia 3A (SPG3A). Also called: SPASTIC PARAPLEGIA 3, AUTOSOMAL DOMINANT; FAMILIAL SPASTIC PARAPLEGIA, AUTOSOMAL DOMINANT, 1; SPG3; STRUMPELL DISEASE; Spastic Paraplegia 3A; Spastic paraplegia 3A, autosomal dominant. Identifiers: Orphanet 100984, MedGen C2931355, MONDO:0008437, OMIM 182600.

Submissions (3):

Labcorp Genetics (formerly Invitae), Labcorp
Classification: Uncertain significance for Hereditary spastic paraplegia 3A. Last evaluated: 2025-12-22. Review status: criteria provided, single submitter. Criteria: Invitae Variant Classification Sherloc (09022015). Collection method: clinical testing. Allele origin: germline.
Comment: This sequence change replaces glutamine, which is neutral and polar, with lysine, which is basic and polar, at codon 251 of the ATL1 protein (p.Gln251Lys). This variant is not present in population databases (gnomAD no frequency). This missense change has been observed in individual(s) with autosomal dominant hereditary spastic paraplegia (PMID: 15596607, 34983064). It has also been observed to segregate with disease in related individuals. This variant is also known as 919C>A. ClinVar contains an entry for this variant (Variation ID: 989016). Invitae Evidence Modeling of protein sequence and biophysical properties (such as structural, functional, and spatial information, amino acid conservation, physicochemical variation, residue mobility, and thermodynamic stability) has been performed for this missense variant. However, the output from this modeling did not meet the statistical confidence thresholds required to predict the impact of this variant on ATL1 protein function. This variant disrupts the p.Gln251 amino acid residue in ATL1. Other variant(s) that disrupt this residue have been observed in individuals with ATL1-related conditions (PMID: 31236401), which suggests that this may be a clinically significant amino acid residue. In summary, the available evidence is currently insufficient to determine the role of this variant in disease. Therefore, it has been classified as a Variant of Uncertain Significance.

Paris Brain Institute, Inserm - ICM
Classification: Pathogenic for Hereditary spastic paraplegia 3A. Review status: criteria provided, single submitter. Criteria: ACMG Guidelines, 2015. Collection method: clinical testing. Allele origin: unknown. Affected: yes. Observed: 1 variant allele.

Inherited Neuropathy Consortium Ii, University Of Miami
Classification: Uncertain significance for Hereditary spastic paraplegia 3A. Last evaluated: 2016-01-06. Review status: no assertion criteria provided. Collection method: literature only. Allele origin: germline. Affected: yes. Not counted in ClinVar's aggregate classification.

Literature cited by the submitters: PubMed 15596607 (cited by Labcorp Genetics (formerly Invitae), Labcorp); PubMed 34983064 (cited by Labcorp Genetics (formerly Invitae), Labcorp); PubMed 31236401 (cited by Labcorp Genetics (formerly Invitae), Labcorp); PubMed 23664119 (cited by Inherited Neuropathy Consortium Ii, University Of Miami).

NM_015915.5(ATL1):c.751C>A (p.Gln251Lys)

Gene: ATL1 (atlastin GTPase 1; plus strand). Cytogenetic location: 14q22.1.
Variant type: single nucleotide variant.
Coding change: c.751C>A on transcript NM_015915.5 (MANE Select); coding-DNA position 751, C replaced by A.
Protein change: p.Gln251Lys; replaces glutamine 251 with lysine.
Molecular consequence: missense variant.
Genome position (GRCh38, 1-based): chr14:50,614,400, C>A. VCF-style: chr14-50614400-C-A. GRCh37 (hg19) VCF-style: chr14-51081118-C-A.
Other names: c.751C>A (NM_015915.4); c.751C>A, p.Gln251Lys (NM_001127713.1, NM_181598.4); short protein forms Q251K.
Identifiers: ClinVar variation 989016 (VCV000989016.9), dbSNP rs1595615134, ClinGen allele CA389671507.